The following is an entry in ClinVar:

ClinVar aggregate classification (germline): Uncertain significance (1 of 4 stars; one submission).

Conditions:
Gastrointestinal stromal tumor. Also called: Gastrointestinal stromal tumor, somatic; Gastrointestinal stroma tumor. Identifiers: Orphanet 44890, MedGen C0238198, MeSH D046152, MONDO:0011719, OMIM 606764, HP:0100723.
Pheochromocytoma/paraganglioma syndrome 3. Also called: GLOMUS TUMORS, FAMILIAL, 3; Paragangliomas 3; SDHC-Related Hereditary Paraganglioma-Pheochromocytoma Syndrome (Paragangliomas 3); SDHC-Related Hereditary Paraganglioma-Pheochromocytoma Syndrome. Identifiers: Orphanet 29072, MedGen C1854336, MONDO:0011544, OMIM 605373.

gnomAD v4.1: 1 of 1,613,592 alleles (0.000062%); highest among the groups gnomAD compares: Non-Finnish European, 0.000085%; no homozygotes.

Submission:

Labcorp Genetics (formerly Invitae), Labcorp
Classification: Uncertain significance for Pheochromocytoma/paraganglioma syndrome 3; Gastrointestinal stromal tumor. Last evaluated: 2024-05-15. Review status: criteria provided, single submitter. Criteria: Invitae Variant Classification Sherloc (09022015). Collection method: clinical testing. Allele origin: germline.
Comment: This sequence change replaces histidine, which is basic and polar, with tyrosine, which is neutral and polar, at codon 12 of the SDHC protein (p.His12Tyr). This variant is not present in population databases (gnomAD no frequency). This variant has not been reported in the literature in individuals affected with SDHC-related conditions. Algorithms developed to predict the effect of missense changes on protein structure and function output the following: SIFT: "Not Available"; PolyPhen-2: "Benign"; Align-GVGD: "Not Available". The tyrosine amino acid residue is found in multiple mammalian species, which suggests that this missense change does not adversely affect protein function. In summary, the available evidence is currently insufficient to determine the role of this variant in disease. Therefore, it has been classified as a Variant of Uncertain Significance.

NM_003001.5(SDHC):c.34C>T (p.His12Tyr)

Gene: SDHC (succinate dehydrogenase complex subunit C; plus strand). Cytogenetic location: 1q23.3.
Variant type: single nucleotide variant.
Coding change: c.34C>T on transcript NM_003001.5 (MANE Select); coding-DNA position 34, C replaced by T.
Protein change: p.His12Tyr; replaces histidine 12 with tyrosine.
Molecular consequence: missense variant. On other transcripts: 5 prime UTR variant (2), non-coding transcript variant (1), intron variant (4).
Genome position (GRCh38, 1-based): chr1:161,323,627, C>T. VCF-style: chr1-161323627-C-T. GRCh37 (hg19) VCF-style: chr1-161293417-C-T.
Other names: c.34C>T, p.His12Tyr (NM_001035511.3, NM_001035512.3, NM_001278172.3 and 2 more transcripts); c.-78C>T (NM_001407119.1); c.-196C>T (NM_001407120.1); c.21-4769C>T (NM_001407116.1, NM_001407121.1, NM_001407117.1); c.20+9202C>T (NM_001035513.3); short protein forms H12Y.
Identifiers: ClinVar variation 3756357 (VCV003756357.2).